The following is an entry in ClinVar:

NM_001367479.1(DNAH14):c.5021G>A (p.Gly1674Glu)

Gene: DNAH14 (dynein axonemal heavy chain 14; plus strand). Cytogenetic location: 1q42.12.
Variant type: single nucleotide variant.
Coding change: c.5021G>A on transcript NM_001367479.1 (MANE Select); coding-DNA position 5021, G replaced by A.
Protein change: p.Gly1674Glu; replaces glycine 1674 with glutamic acid.
Molecular consequence: missense variant.
Genome position (GRCh38, 1-based): chr1:225,152,708, G>A. VCF-style: chr1-225152708-G-A. GRCh37 (hg19) VCF-style: chr1-225340410-G-A.
Other names: NC_000001.10:g.225340410G>A; short protein forms G1674E.
Identifiers: ClinVar variation 2639948 (VCV002639948.25), dbSNP rs17578819, ClinGen allele CA1416080.

ClinVar aggregate classification (germline): Likely benign (1 of 4 stars; one submission).

Allele frequency attached by ClinVar (database versions not stated): 1000 Genomes Project 30x 0.00531; 1000 Genomes Project 0.00599; ESP Exome Variant Server 0.00635; TOPMed 0.00643; gnomAD 0.00725; ExAC 0.00818; gnomAD exomes 0.00889.
gnomAD v4.1: 13,440 of 1,548,068 alleles (0.87%); highest among the groups gnomAD compares: Non-Finnish European, 0.95%; 73 homozygotes.

Submissions (4):

CeGaT Center for Human Genetics Tuebingen
Classification: Likely benign. Last evaluated: 2025-01-01. Review status: criteria provided, single submitter. Criteria: CeGaT Center For Human Genetics Tuebingen Variant Classification Criteria Version 2. Collection method: clinical testing. Allele origin: germline. Affected: yes. Observed: 3 variant alleles.
Comment: DNAH14: BP4, BS2

Dr. Peter K. Rogan Lab, Western University
No classification provided (evidence only). Condition: Clear cell carcinoma of kidney. Review status: no classification provided. Collection method: in vitro. Allele origin: not applicable. Functional consequence: retained intron. Not counted in ClinVar's aggregate classification.

Dr. Peter K. Rogan Lab, Western University
No classification provided (evidence only). Condition: Acute myeloid leukemia. Review status: no classification provided. Collection method: in vitro. Allele origin: not applicable. Functional consequence: retained intron. Not counted in ClinVar's aggregate classification.

Dr. Peter K. Rogan Lab, Western University
No classification provided (evidence only). Condition: Malignant tumor of esophagus. Review status: no classification provided. Collection method: in vitro. Allele origin: not applicable. Functional consequence: retained intron. Not counted in ClinVar's aggregate classification.